The following is an entry in ClinVar:

NM_000147.5(FUCA1):c.1384C>A (p.Leu462Met)

Gene: FUCA1 (alpha-L-fucosidase 1; minus strand). Cytogenetic location: 1p36.11.
Variant type: single nucleotide variant.
Coding change: c.1384C>A on transcript NM_000147.5 (MANE Select); coding-DNA position 1384, C replaced by A.
Protein change: p.Leu462Met; replaces leucine 462 with methionine.
Molecular consequence: missense variant.
Genome position (GRCh38, 1-based): chr1:23,845,732, G>T on the plus strand (C>A on the coding strand, the complement: FUCA1 is on the minus strand). VCF-style: chr1-23845732-G-T. GRCh37 (hg19) VCF-style: chr1-24172222-G-T.
Other names: short protein forms L462M.
Identifiers: ClinVar variation 1389947 (VCV001389947.8), dbSNP rs770042348, ClinGen allele CA686264.

ClinVar aggregate classification (germline): Uncertain significance (1 of 4 stars; one submission).

Conditions:
Fucosidosis. Also called: ALPHA-L-FUCOSIDASE DEFICIENCY. Identifiers: Orphanet 349, MedGen C0016788, MONDO:0009254, OMIM 230000.

Allele frequency attached by ClinVar (database versions not stated): gnomAD exomes below 0.00001; ExAC 0.00001.
gnomAD v4.1: 1 of 1,614,192 alleles (0.000062%); highest among the groups gnomAD compares: East Asian, 0.0022%; no homozygotes.

Submission:

Labcorp Genetics (formerly Invitae), Labcorp
Classification: Uncertain significance for Fucosidosis. Last evaluated: 2022-07-05. Review status: criteria provided, single submitter. Criteria: Invitae Variant Classification Sherloc (09022015). Collection method: clinical testing. Allele origin: germline.
Comment: In summary, the available evidence is currently insufficient to determine the role of this variant in disease. Therefore, it has been classified as a Variant of Uncertain Significance. Algorithms developed to predict the effect of missense changes on protein structure and function output the following: SIFT: "Tolerated"; PolyPhen-2: "Benign"; Align-GVGD: "Class C0". The methionine amino acid residue is found in multiple mammalian species, which suggests that this missense change does not adversely affect protein function. ClinVar contains an entry for this variant (Variation ID: 1389947). This variant has not been reported in the literature in individuals affected with FUCA1-related conditions. This variant is present in population databases (rs770042348, gnomAD 0.006%). This sequence change replaces leucine, which is neutral and non-polar, with methionine, which is neutral and non-polar, at codon 462 of the FUCA1 protein (p.Leu462Met).